The following is an entry in ClinVar:

ClinVar aggregate classification (germline): Conflicting classifications of pathogenicity. Review status: criteria provided, conflicting classifications (1 of 4 stars). 6 submissions from 6 submitters: Uncertain significance (4); Likely benign (2). Last evaluated 2024-12-02.

Conditions:
Inborn genetic diseases. Identifiers: MedGen C0950123, MeSH D030342.
Acrocallosal syndrome (ACLS). Also called: HALLUX DUPLICATION, POSTAXIAL POLYDACTYLY, AND ABSENCE OF CORPUS CALLOSUM; Schinzel syndrome 1; Absence of corpus callosum with unusual facial appearance, mental deficiency, duplication of the halluces and polydactyly. Identifiers: Orphanet 36, MedGen C0796147, MONDO:0008708, OMIM 200990.
Multiple epiphyseal dysplasia, Al-Gazali type. Also called: Macrocephaly with multiple epiphyseal dysplasia and distinctive facies. Identifiers: Orphanet 166024, MedGen C1846722, MONDO:0011778, OMIM 607131.
Hydrolethalus syndrome 2 (HLS2). Identifiers: Orphanet 2189, MedGen C3279899, MONDO:0013585, OMIM 614120.
Intellectual disability. Also called: Intellectual functioning disability; intellectual disabilities; Intellectual developmental disorder. Identifiers: MedGen C3714756, MeSH D008607, MONDO:0001071, HP:0001249.

Allele frequency attached by ClinVar (database versions not stated): ESP Exome Variant Server 0.00008; ExAC 0.00015; gnomAD exomes 0.00019; gnomAD 0.00025 and 0.00026; TOPMed 0.00026.
gnomAD v4.1: 451 of 1,613,174 alleles (0.028%); highest among the groups gnomAD compares: Non-Finnish European, 0.036%; 1 homozygote.

Submissions (6):

Labcorp Genetics (formerly Invitae), Labcorp
Classification: Uncertain significance for Acrocallosal syndrome. Last evaluated: 2024-12-02. Review status: criteria provided, single submitter. Criteria: Invitae Variant Classification Sherloc (09022015). Collection method: clinical testing. Allele origin: germline.
Comment: This sequence change replaces proline, which is neutral and non-polar, with leucine, which is neutral and non-polar, at codon 548 of the KIF7 protein (p.Pro548Leu). This variant is present in population databases (rs369168569, gnomAD 0.04%). This variant has not been reported in the literature in individuals affected with KIF7-related conditions. ClinVar contains an entry for this variant (Variation ID: 647743). Invitae Evidence Modeling of protein sequence and biophysical properties (such as structural, functional, and spatial information, amino acid conservation, physicochemical variation, residue mobility, and thermodynamic stability) indicates that this missense variant is not expected to disrupt KIF7 protein function with a negative predictive value of 80%. In summary, the available evidence is currently insufficient to determine the role of this variant in disease. Therefore, it has been classified as a Variant of Uncertain Significance.

GeneDx
Classification: Uncertain significance. Last evaluated: 2024-06-11. Review status: criteria provided, single submitter. Criteria: GeneDx Variant Classification Process June 2021. Collection method: clinical testing. Allele origin: germline. Affected: yes.
Comment: In silico analysis supports that this missense variant has a deleterious effect on protein structure/function; Has not been previously published as pathogenic or benign to our knowledge

Blueprint Genetics
Classification: Likely benign. Last evaluated: 2024-02-29. Review status: criteria provided, single submitter. Criteria: ACMG Guidelines, 2015. Collection method: clinical testing. Allele origin: germline.

Fulgent Genetics
Classification: Likely benign for Acrocallosal syndrome; Multiple epiphyseal dysplasia, Al-Gazali type; Hydrolethalus syndrome 2. Last evaluated: 2024-02-14. Review status: criteria provided, single submitter. Criteria: ACMG Guidelines, 2015. Collection method: clinical testing. Allele origin: germline.

Ambry Genetics
Classification: Uncertain significance for Inborn genetic diseases. Last evaluated: 2021-09-17. Review status: criteria provided, single submitter. Criteria: Ambry Variant Classification Scheme 2023. Collection method: clinical testing. Allele origin: germline.

Cambridge Genomics Laboratory, East Genomic Laboratory Hub, NHS Genomic Medicine Service
Classification: Uncertain significance for Intellectual disability. Last evaluated: 2020-04-30. Review status: criteria provided, single submitter. Criteria: ACGS Best Practice Guidelines for Variant Classification in Rare Disease 2020. Collection method: clinical testing. Allele origin: germline. Affected: yes. Observed: 1 variant allele.

NM_198525.3(KIF7):c.1643C>T (p.Pro548Leu)

Gene: KIF7 (kinesin family member 7; minus strand). Cytogenetic location: 15q26.1.
Variant type: single nucleotide variant.
Coding change: c.1643C>T on transcript NM_198525.3 (MANE Select); coding-DNA position 1643, C replaced by T.
Protein change: p.Pro548Leu; replaces proline 548 with leucine.
Molecular consequence: missense variant.
Genome position (GRCh38, 1-based): chr15:89,646,975, G>A on the plus strand (C>T on the coding strand, the complement: KIF7 is on the minus strand). VCF-style: chr15-89646975-G-A. GRCh37 (hg19) VCF-style: chr15-90190206-G-A.
Other names: short protein forms P548L.
Identifiers: ClinVar variation 647743 (VCV000647743.11), dbSNP rs369168569, ClinGen allele CA7728498.